The following is an entry in ClinVar:

ClinVar aggregate classification (germline): Uncertain significance (1 of 4 stars; one submission).

Submission:

Labcorp Genetics (formerly Invitae), Labcorp
Classification: Uncertain significance. Last evaluated: 2022-12-29. Review status: criteria provided, single submitter. Criteria: Invitae Variant Classification Sherloc (09022015). Collection method: clinical testing. Allele origin: germline.
Comment: This variant is not present in population databases (gnomAD no frequency). In summary, the available evidence is currently insufficient to determine the role of this variant in disease. Therefore, it has been classified as a Variant of Uncertain Significance. Advanced modeling of protein sequence and biophysical properties (such as structural, functional, and spatial information, amino acid conservation, physicochemical variation, residue mobility, and thermodynamic stability) performed at Invitae indicates that this missense variant is expected to disrupt CLUAP1 protein function. This variant has not been reported in the literature in individuals affected with CLUAP1-related conditions. This sequence change replaces arginine, which is basic and polar, with glycine, which is neutral and non-polar, at codon 226 of the CLUAP1 protein (p.Arg226Gly).

NM_015041.3(CLUAP1):c.676A>G (p.Arg226Gly)

Gene: CLUAP1 (clusterin associated protein 1; plus strand). Cytogenetic location: 16p13.3.
Variant type: single nucleotide variant.
Coding change: c.676A>G on transcript NM_015041.3 (MANE Select); coding-DNA position 676, A replaced by G.
Protein change: p.Arg226Gly; replaces arginine 226 with glycine.
Molecular consequence: missense variant.
Genome position (GRCh38, 1-based): chr16:3,519,999, A>G. VCF-style: chr16-3519999-A-G. GRCh37 (hg19) VCF-style: chr16-3569999-A-G.
Other names: c.676A>G, p.Arg226Gly (NM_001330454.2); c.178A>G, p.Arg60Gly (NM_024793.3); short protein forms R226G, R60G.
Identifiers: ClinVar variation 2814649 (VCV002814649.3), dbSNP rs2543969291, ClinGen allele CA394513319.